The following is an entry in ClinVar:

ClinVar aggregate classification (germline): Uncertain significance (1 of 4 stars; one submission).

Allele frequency attached by ClinVar (database versions not stated): ExAC 0.00001; gnomAD exomes 0.00002; gnomAD 0.00003; TOPMed 0.00006.
gnomAD v4.1: 32 of 1,614,072 alleles (0.002%); highest among the groups gnomAD compares: Admixed American, 0.023%; no homozygotes.

Submission:

CeGaT Center for Human Genetics Tuebingen
Classification: Uncertain significance. Last evaluated: 2026-09-01. Review status: criteria provided, single submitter. Criteria: CeGaT Center For Human Genetics Tuebingen Variant Classification Criteria Version 2. Collection method: clinical testing. Allele origin: germline. Affected: yes. Observed: 2 variant alleles.
Comment: KCNN3: PP3

NM_002249.6(KCNN3):c.1076C>G (p.Thr359Ser)

Gene: KCNN3 (potassium calcium-activated channel subfamily N member 3; minus strand). Cytogenetic location: 1q21.3.
Variant type: single nucleotide variant.
Coding change: c.1076C>G on transcript NM_002249.6 (MANE Select); coding-DNA position 1076, C replaced by G.
Protein change: p.Thr359Ser; replaces threonine 359 with serine.
Molecular consequence: missense variant.
Genome position (GRCh38, 1-based): chr1:154,772,347, G>C on the plus strand (C>G on the coding strand, the complement: KCNN3 is on the minus strand). VCF-style: chr1-154772347-G-C. GRCh37 (hg19) VCF-style: chr1-154744823-G-C.
Other names: c.1076C>G, p.Thr359Ser (NM_001204087.2); c.137C>G, p.Thr46Ser (NM_001365837.1, NM_001365838.1); c.161C>G, p.Thr54Ser (NM_170782.3); short protein forms T359S, T46S, T54S.
Identifiers: ClinVar variation 2639379 (VCV002639379.24), dbSNP rs761545559, ClinGen allele CA1132137.